The following is an entry in ClinVar:

ClinVar aggregate classification (germline): Uncertain significance. Review status: criteria provided, multiple submitters, no conflicts (2 of 4 stars). 2 submissions from 2 submitters: Uncertain significance (2). Last evaluated 2026-09-03.

Conditions:
Inborn genetic diseases. Identifiers: MedGen C0950123, MeSH D030342.

Allele frequency attached by ClinVar (database versions not stated): TOPMed below 0.00001; gnomAD exomes below 0.00001.

Submissions (2):

Ambry Genetics
Classification: Uncertain significance for Inborn genetic diseases. Last evaluated: 2026-09-03. Review status: criteria provided, single submitter. Criteria: Ambry Variant Classification Scheme 2023. Collection method: clinical testing. Allele origin: germline.
Comment: The p.T1122I variant (also known as c.3365C>T), located in coding exon 1 of the SAMD9 gene, results from a C to T substitution at nucleotide position 3365. The threonine at codon 1122 is replaced by isoleucine, an amino acid with similar properties. This amino acid position is conserved. In addition, the in silico prediction for this alteration is inconclusive. Based on the available evidence, the clinical significance of this variant remains unclear.

Genetic Services Laboratory, University of Chicago
Classification: Uncertain significance. Last evaluated: 2018-10-22. Review status: criteria provided, single submitter. Criteria: ACMG Guidelines, 2015. Collection method: clinical testing. Allele origin: germline. Affected: no.

NM_017654.4(SAMD9):c.3365C>T (p.Thr1122Ile)

Gene: SAMD9 (sterile alpha motif domain containing 9; minus strand). Cytogenetic location: 7q21.2.
Variant type: single nucleotide variant.
Coding change: c.3365C>T on transcript NM_017654.4 (MANE Select); coding-DNA position 3365, C replaced by T.
Protein change: p.Thr1122Ile; replaces threonine 1122 with isoleucine.
Molecular consequence: missense variant.
Genome position (GRCh38, 1-based): chr7:93,102,733, G>A on the plus strand (C>T on the coding strand, the complement: SAMD9 is on the minus strand). VCF-style: chr7-93102733-G-A. GRCh37 (hg19) VCF-style: chr7-92732046-G-A.
Other names: c.3365C>T, p.Thr1122Ile (NM_001193307.2); short protein forms T1122I.
Identifiers: ClinVar variation 1336898 (VCV001336898.5), dbSNP rs754414260, ClinGen allele CA368185691.